The following is an entry in ClinVar:

NM_031220.4(PITPNM3):c.1538G>C (p.Arg513Pro)

Gene: PITPNM3 (PITPNM family member 3; minus strand). Cytogenetic location: 17p13.2.
Variant type: single nucleotide variant.
Coding change: c.1538G>C on transcript NM_031220.4 (MANE Select); coding-DNA position 1538, G replaced by C.
Protein change: p.Arg513Pro; replaces arginine 513 with proline.
Molecular consequence: missense variant.
Genome position (GRCh38, 1-based): chr17:6,471,247, C>G on the plus strand (G>C on the coding strand, the complement: PITPNM3 is on the minus strand). VCF-style: chr17-6471247-C-G. GRCh37 (hg19) VCF-style: chr17-6374567-C-G.
Other names: c.1430G>C, p.Arg477Pro (NM_001165966.2); c.1538G>C (NM_031220.3); short protein forms R513P, R477P.
Identifiers: ClinVar variation 1383003 (VCV001383003.7), dbSNP rs548588951, ClinGen allele CA397405235.

ClinVar aggregate classification (germline): Uncertain significance. Review status: criteria provided, multiple submitters, no conflicts (2 of 4 stars). 2 submissions from 2 submitters: Uncertain significance (2). Last evaluated 2025-06-24.

Submissions (2):

Ambry Genetics
Classification: Uncertain significance. Last evaluated: 2025-06-24. Review status: criteria provided, single submitter. Criteria: Ambry Variant Classification Scheme 2023. Collection method: clinical testing. Allele origin: germline.

Labcorp Genetics (formerly Invitae), Labcorp
Classification: Uncertain significance. Last evaluated: 2021-09-24. Review status: criteria provided, single submitter. Criteria: Invitae Variant Classification Sherloc (09022015). Collection method: clinical testing. Allele origin: germline.
Comment: In summary, the available evidence is currently insufficient to determine the role of this variant in disease. Therefore, it has been classified as a Variant of Uncertain Significance. Algorithms developed to predict the effect of missense changes on protein structure and function (SIFT, PolyPhen-2, Align-GVGD) all suggest that this variant is likely to be tolerated. This variant has not been reported in the literature in individuals affected with PITPNM3-related conditions. This variant is not present in population databases (ExAC no frequency). This sequence change replaces arginine with proline at codon 513 of the PITPNM3 protein (p.Arg513Pro). The arginine residue is moderately conserved and there is a moderate physicochemical difference between arginine and proline.